The following is an entry in ClinVar:

ClinVar aggregate classification (germline): Uncertain significance. Review status: criteria provided, multiple submitters, no conflicts (2 of 4 stars). 2 submissions from 2 submitters: Uncertain significance (2). Last evaluated 2024-05-26.

Allele frequency attached by ClinVar (database versions not stated): ExAC 0.00003.

Submissions (2):

Ambry Genetics
Classification: Uncertain significance. Last evaluated: 2024-05-26. Review status: criteria provided, single submitter. Criteria: Ambry Variant Classification Scheme 2023. Collection method: clinical testing. Allele origin: germline.

Labcorp Genetics (formerly Invitae), Labcorp
Classification: Uncertain significance. Last evaluated: 2024-05-15. Review status: criteria provided, single submitter. Criteria: Invitae Variant Classification Sherloc (09022015). Collection method: clinical testing. Allele origin: germline.
Comment: This sequence change replaces arginine, which is basic and polar, with lysine, which is basic and polar, at codon 541 of the EIF2AK1 protein (p.Arg541Lys). This variant is present in population databases (rs767750021, gnomAD 0.05%). This variant has not been reported in the literature in individuals affected with EIF2AK1-related conditions. ClinVar contains an entry for this variant (Variation ID: 2061237). An algorithm developed to predict the effect of missense changes on protein structure and function (PolyPhen-2) suggests that this variant is likely to be disruptive. In summary, the available evidence is currently insufficient to determine the role of this variant in disease. Therefore, it has been classified as a Variant of Uncertain Significance.

NM_014413.4(EIF2AK1):c.1622G>A (p.Arg541Lys)

Gene: EIF2AK1 (eukaryotic translation initiation factor 2 alpha kinase 1; minus strand). Cytogenetic location: 7p22.1.
Variant type: single nucleotide variant.
Coding change: c.1622G>A on transcript NM_014413.4 (MANE Select); coding-DNA position 1622, G replaced by A.
Protein change: p.Arg541Lys; replaces arginine 541 with lysine.
Molecular consequence: missense variant.
Genome position (GRCh38, 1-based): chr7:6,026,870, C>T on the plus strand (G>A on the coding strand, the complement: EIF2AK1 is on the minus strand). VCF-style: chr7-6026870-C-T. GRCh37 (hg19) VCF-style: chr7-6066501-C-T.
Other names: c.1619G>A, p.Arg540Lys (NM_001134335.2); c.1622G>A (NM_014413.3); short protein forms R540K, R541K.
Identifiers: ClinVar variation 2061237 (VCV002061237.5), dbSNP rs767750021, ClinGen allele CA4150674.